The following is an entry in ClinVar:

ClinVar aggregate classification (germline): Uncertain significance (1 of 4 stars; one submission).

gnomAD v4.1: 14 of 1,612,042 alleles (0.00087%); highest among the groups gnomAD compares: South Asian, 0.015%; no homozygotes.

Submission:

Ambry Genetics
Classification: Uncertain significance. Last evaluated: 2024-11-28. Review status: criteria provided, single submitter. Criteria: Ambry Variant Classification Scheme 2023. Collection method: clinical testing. Allele origin: germline.
Comment: The p.T478S variant (also known as c.1432A>T), located in coding exon 2 of the CDK12 gene, results from an A to T substitution at nucleotide position 1432. The threonine at codon 478 is replaced by serine, an amino acid with similar properties. This amino acid position is conserved. In addition, this alteration is predicted to be tolerated by in silico analysis. Based on the available evidence, the clinical significance of this variant remains unclear.

NM_016507.4(CDK12):c.1432A>T (p.Thr478Ser)

Gene: CDK12 (cyclin dependent kinase 12; plus strand). Cytogenetic location: 17q12.
Variant type: single nucleotide variant.
Coding change: c.1432A>T on transcript NM_016507.4 (MANE Select); coding-DNA position 1432, A replaced by T.
Protein change: p.Thr478Ser; replaces threonine 478 with serine.
Molecular consequence: missense variant.
Genome position (GRCh38, 1-based): chr17:39,471,264, A>T. VCF-style: chr17-39471264-A-T. GRCh37 (hg19) VCF-style: chr17-37627517-A-T.
Other names: c.1432A>T, p.Thr478Ser (NM_015083.4); short protein forms T478S.
Identifiers: ClinVar variation 3489318 (VCV003489318.1).
Genomic context (GRCh38, chr17:39,471,264, plus strand): 5'-CCAGATACTGAACTGGTGAATGTAACACATCTAAACACAGAGGTAAAAAATTCTTCAGAT[A>T]CAGGGAAAGTAAAGTTGGATGAGAACTCCGAGAAGCATCTTGTTAAAGATTTGAAAGCAC-3'
Protein context (NP_057591.2, residues 468-488): LNTEVKNSSD[Thr478Ser]GKVKLDENSE